The following continues an entry in ClinVar:

NM_000179.3(MSH6):c.2150_2153del (p.Val717fs)

Gene: MSH6. ClinVar aggregate classification (germline): Pathogenic. Pathogenic (1).

Submissions 10 to 20 of 27:

All of Us Research Program, National Institutes of Health
Classification: Pathogenic for Lynch syndrome. Last evaluated: 2024-09-16. Review status: criteria provided, single submitter. Criteria: ACMG Guidelines, 2015. Collection method: clinical testing. Allele origin: germline. Inheritance: Autosomal dominant inheritance. Observed: 2 variant alleles, 2 heterozygotes. Not counted in ClinVar's aggregate classification.
Comment: This variant deletes 4 nucleotides in exon 4 of the MSH6 gene, creating a frameshift and premature translation stop signal. This variant is expected to result in an absent or non-functional protein product. This variant has been reported in families affected with Lynch syndrome (PMID: 18566915, 20028993) and in individuals affected with ovarian cancer, endometrial cancer or colorectal cancer (PMID: 10537275, 22006311, 23047549). Tumor data from an individual affected with ovarian and endometrial cancer demonstrated high microsatellite instability and loss of MSH6 protein expression, while another individual affected with early-onset colorectal cancer had tumor testing showing loss of MSH6 protein expression but low microsatellite instability (PMID: 23652311). This variant has been identified in 2/250930 chromosomes in the general population by the Genome Aggregation Database (gnomAD). Loss of MSH6 function is a known mechanism of disease. Based on the available evidence, this variant is classified as Pathogenic.

This study involves interpretation of variants in research participants for the purpose of population health screening. Participant phenotype was not available at the time of variant classification. Additional details can be found in publication PMID: 35346344, PMCID: PMC8962531

ARUP Laboratories, Molecular Genetics and Genomics, ARUP Laboratories
Classification: Pathogenic. Last evaluated: 2024-07-08. Review status: criteria provided, single submitter. Criteria: ARUP Molecular Germline Variant Investigation Process 2024. Collection method: clinical testing. Allele origin: germline. Not counted in ClinVar's aggregate classification.
Comment: The MSH6 c.2150_2153delTCAG; p.Val717AlafsTer18 variant (rs267608058), also known as c.2147_2150delCAGT or 2149delTCAG, is reported in the literature in multiple individuals affected with Lynch syndrome and associated cancers (Baglietto 2010, DeRycke 2017, Hirasawa 2017, Kolodner 1999, Nilbert 2009, Pal 2012, Sun 2017, Talseth-Palmer 2010, Walsh 2011). This variant is also reported in ClinVar (Variation ID: 89256). It is only observed on two alleles in the Genome Aggregation Database, indicating it is not a common polymorphism. This variant causes a frameshift by deleting 4 nucleotides, so it is predicted to result in a truncated protein or mRNA subject to nonsense-mediated decay. Additionally, several downstream truncating variants have been described in individuals with various cancers and are considered pathogenic (Nilbert 2009, Pal 2012). Based on available information, this variant is considered to be pathogenic. References: Baglietto L et al. Risks of Lynch syndrome cancers for MSH6 mutation carriers. J Natl Cancer Inst. 2010 Feb 3;102(3):193-201. PMID: 20028993 DeRycke MS et al. Targeted sequencing of 36 known or putative colorectal cancer susceptibility genes. Mol Genet Genomic Med. 2017 Jul 23;5(5):553-569. PMID: 28944238 Hirasawa A et al. Prevalence of pathogenic germline variants detected by multigene sequencing in unselected Japanese patients with ovarian cancer. Oncotarget. 2017 Nov 28;8(68):112258-112267. PMID: 29348823 Kolodner RD et al. Germ-line msh6 mutations in colorectal cancer families. Cancer Res. 1999 Oct 15;59(20):5068-74. PMID: 10537275 Nilbert M et al. Major contribution from recurrent alterations and MSH6 mutations in the Danish Lynch syndrome population. Fam Cancer. 2009;8(1):75-83. PMID: 18566915 Pal T et al. Frequency of mutations in mismatch repair genes in a population-based study of women with ovarian cancer. Br J Cancer. 2012 Nov 6;107(10):1783-90. PMID: 23047549 Sun J et al. Germline Mutations in Cancer Susceptibility Genes in a Large Series of Unselected Breast Cancer Patients. Clin Cancer Res. 2017 Oct 15;23(20):6113-6119. PMID: 28724667 Talseth-Palmer BA et al. MSH6 and PMS2 mutation positive Australian Lynch syndrome families: novel mutations, cancer risk and age of diagnosis of colorectal cancer. Hered Cancer Clin Pract. 2010 May 21;8(1):5. PMID: 20487569 Walsh T et al. Mutations in 12 genes for inherited ovarian, fallopian tube, and peritoneal carcinoma identified by massively parallel sequencing. Proc Natl Acad Sci U S A. 2011 Nov 1;108(44):18032-7. PMID: 22006311

Color Diagnostics, LLC DBA Color Health
Classification: Pathogenic for Hereditary cancer-predisposing syndrome. Last evaluated: 2024-04-01. Review status: criteria provided, single submitter. Criteria: ACMG Guidelines, 2015. Collection method: clinical testing. Allele origin: germline. Not counted in ClinVar's aggregate classification.
Comment: This variant deletes 4 nucleotides in exon 4 of the MSH6 gene, creating a frameshift and premature translation stop signal. This variant is expected to result in an absent or non-functional protein product. This variant has been reported in families affected with Lynch syndrome (PMID: 18566915, 20028993) and in individuals affected with ovarian cancer, endometrial cancer or colorectal cancer (PMID: 10537275, 22006311, 23047549). Tumor data from an individual affected with ovarian and endometrial cancer demonstrated high microsatellite instability and loss of MSH6 protein expression, while another individual affected with early-onset colorectal cancer had tumor testing showing loss of MSH6 protein expression but low microsatellite instability (PMID: 23652311). This variant has been identified in 2/250930 chromosomes in the general population by the Genome Aggregation Database (gnomAD). Loss of MSH6 function is a known mechanism of disease. Based on the available evidence, this variant is classified as Pathogenic.

Baylor Genetics
Classification: Pathogenic for Endometrial carcinoma. Last evaluated: 2024-03-18. Review status: criteria provided, single submitter. Criteria: ACMG Guidelines, 2015. Collection method: clinical testing. Allele origin: unknown. Not counted in ClinVar's aggregate classification.

Blueprint Genetics
Classification: Pathogenic for MSH6-related disorders. Last evaluated: 2024-01-29. Review status: criteria provided, single submitter. Criteria: ACMG Guidelines, 2015. Collection method: clinical testing. Allele origin: germline. Affected: yes. Observed: 1 variant allele. Not counted in ClinVar's aggregate classification.

GeneDx
Classification: Pathogenic. Last evaluated: 2023-05-09. Review status: criteria provided, single submitter. Criteria: GeneDx Variant Classification Process June 2021. Collection method: clinical testing. Allele origin: germline. Affected: yes. Not counted in ClinVar's aggregate classification.
Comment: Frameshift variant predicted to result in protein truncation or nonsense mediated decay in a gene for which loss-of-function is a known mechanism of disease; Not observed at a significant frequency in large population cohorts (gnomAD); Truncating variants in this gene are considered pathogenic by a well-established clinical consortium and/or database; Reported in several individuals with colorectal, ovarian, and/or endometrial cancer, including multiple individuals with concordant tumor studies (Kolodner et al., 1999; Talseth-Palmer et al., 2010; Walsh et al., 2011; van Lier et al., 2012; Pagin et al., 2013); This variant is associated with the following publications: (PMID: 24763289, 22081473, 20487569, 23047549, 24728189, 18566915, 26845104, 22006311, 28724667, 28944238, 22658618, 29348823, 23652311, 30322717, 31054147, 32719484, 30787465, 33087929, 27535533, 35449176, 29922827, 28888541, 33511262, 33471991, 10537275)

Myriad Genetics, Inc.
Classification: Pathogenic for Lynch syndrome 5. Last evaluated: 2023-03-29. Review status: criteria provided, single submitter. Criteria: Myriad Autosomal Dominant, Autosomal Recessive and X-Linked Classification Criteria (2023). Collection method: clinical testing. Allele origin: unknown. Not counted in ClinVar's aggregate classification.
Comment: This variant is considered pathogenic. This variant creates a frameshift predicted to result in premature protein truncation.

Quest Diagnostics Nichols Institute San Juan Capistrano
Classification: Pathogenic. Last evaluated: 2022-12-22. Review status: criteria provided, single submitter. Criteria: Quest Diagnostics criteria. Collection method: clinical testing. Allele origin: unknown. Not counted in ClinVar's aggregate classification.
Comment: This frameshift variant alters the translational reading frame of the MSH6 mRNA and causes the premature termination of MSH6 protein synthesis. The frequency of this variant in the general population, 0.000008 (2/250930 chromosomes), is consistent with pathogenicity. In the published literature, the variant has been reported in individuals with breast cancer (PMID: 33471991 (2021)), ovarian cancer (PMID: 30322717 (2018), 29348823 (2017), 24728189 (2014)), and Lynch syndrome associated cancers (PMID: 31054147 (2019), 29345684 (2018), 28944238 (2017), 26845104 (2016)). Based on the available information, this variant is classified as pathogenic.

Sema4
Classification: Pathogenic for Hereditary cancer-predisposing syndrome. Last evaluated: 2022-03-13. Review status: criteria provided, single submitter. Criteria: Sema4 Curation Guidelines. Collection method: curation. Allele origin: germline. Not counted in ClinVar's aggregate classification.
Comment: The MSH6 c.2150_2153delTCAG (p.V717AfsX18) variant has been reported in multiple individuals with Lynch Syndrome and/or those with colorectal, endometrial, and ovarian cancer (PMID: 10537275, 18566915, 20028993, 20487569, 22006311, 23047549, 24362816, 28944238, 29348823, 31054147). This variant causes a frameshift at amino acid 717 that results in premature termination 18 amino acids downstream. At this location, it is predicted to cause a severely disrupted protein or nonsense-mediated decay resulting in absent protein, i.e. a loss of gene function. Loss of function variants in MSH6 are known to be pathogenic (PMID: 20301390). This variant was observed in 2/250930 chromosomes in the large and broad cohorts of the Genome Aggregation Database (PMID: 32461654) and has been reported in ClinVar (Variation ID: 89256). Based on the current evidence available, this variant is interpreted as pathogenic.

Fulgent Genetics
Classification: Pathogenic for Endometrial carcinoma; Lynch syndrome 5; Mismatch repair cancer syndrome 3. Last evaluated: 2021-07-14. Review status: criteria provided, single submitter. Criteria: ACMG Guidelines, 2015. Collection method: clinical testing. Allele origin: unknown. Not counted in ClinVar's aggregate classification.

Genetics and Molecular Pathology, SA Pathology
Classification: Pathogenic for Mismatch repair cancer syndrome 1. Last evaluated: 2020-09-04. Review status: criteria provided, single submitter. Criteria: ACMG Guidelines, 2015. Collection method: clinical testing. Allele origin: germline. Affected: yes. Not counted in ClinVar's aggregate classification.